The following is an entry in ClinVar:

ClinVar aggregate classification (germline): Uncertain significance (1 of 4 stars; one submission).

Conditions:
TTN-related disorder. Also called: TTN-related condition; TTN-related disease; TTN-related disorders.

gnomAD v4.1: 1 of 1,614,152 alleles (0.000062%); highest among the groups gnomAD compares: Non-Finnish European, 0.000085%; no homozygotes.

Submission:

PreventionGenetics, part of Exact Sciences
Classification: Uncertain significance for TTN-related condition. Last evaluated: 2026-09-10. Review status: criteria provided, single submitter. Criteria: ACMG Guidelines, 2015. Collection method: clinical testing. Allele origin: germline.
Comment: The TTN c.9964A>G variant is predicted to result in the amino acid substitution p.Thr3322Ala. To our knowledge, this variant has not been reported in the literature. This variant is reported in 0.00088% of alleles in individuals of European (Non-Finnish) descent in gnomAD. At this time, the clinical significance of this variant is uncertain due to the absence of conclusive functional and genetic evidence.

NM_001267550.2(TTN):c.9964A>G (p.Thr3322Ala)

Gene: TTN (titin; minus strand). Cytogenetic location: 2q31.2.
Variant type: single nucleotide variant.
Coding change: c.9964A>G on transcript NM_001267550.2 (MANE Select); coding-DNA position 9964, A replaced by G.
Protein change: p.Thr3322Ala; replaces threonine 3322 with alanine.
Molecular consequence: missense variant.
Genome position (GRCh38, 1-based): chr2:178,764,551, T>C on the plus strand (A>G on the coding strand, the complement: TTN is on the minus strand). VCF-style: chr2-178764551-T-C. GRCh37 (hg19) VCF-style: chr2-179629278-T-C.
Other names: c.9964A>G, p.Thr3322Ala (NM_001256850.1, NM_133378.4, NM_133379.5); c.9826A>G, p.Thr3276Ala (NM_003319.4, NM_133432.3, NM_133437.4); short protein forms T3276A, T3322A.
Identifiers: ClinVar variation 4978758 (VCV004978758.1).
Genomic context (GRCh38, chr2:178,764,551, plus strand): 5'-TTTTATTTTCAGCTGGAAGTAGCGAGGCATTCCTACCTTCCACTGAGAGTGAAGCTGATG[T>C]TGTGGCAACACCATAGTCATTCTTGGCTTCACAGGTATAGACTGCCGCATCCTCTGGGAA-3'
Protein context (NP_001254479.2, residues 3312-3332): EAKNDYGVAT[Thr3322Ala]SASLSVEVPE